The following is an entry in ClinVar:

ClinVar aggregate classification (germline): Uncertain significance (1 of 4 stars; one submission).

Conditions:
GRN-related frontotemporal lobar degeneration with Tdp43 inclusions (FTD2). Also called: DEMENTIA, HEREDITARY DYSPHASIC DISINHIBITION; FRONTOTEMPORAL LOBAR DEGENERATION WITH UBIQUITIN-POSITIVE INCLUSIONS; FTLD-TDP, GRN-RELATED; GRN Frontotemporal Dementia; FRONTOTEMPORAL DEMENTIA WITH TDP43 INCLUSIONS, GRN-RELATED. Identifiers: Orphanet 100070, Orphanet 282, MedGen C1843792, MONDO:0011842, OMIM 607485. Disease mechanism: loss of function.
Neuronal ceroid lipofuscinosis 11. Also called: GRN-Related Neuronal Ceroid-Lipofuscinosis. Identifiers: Orphanet 314629, Orphanet 79262, MedGen C3539123, MONDO:0013866, OMIM 614706.

Allele frequency attached by ClinVar (database versions not stated): ExAC 0.00001; gnomAD 0.00002; gnomAD exomes 0.00002; TOPMed 0.00004.
gnomAD v4.1: 33 of 1,610,238 alleles (0.002%); highest among the groups gnomAD compares: African/African-American, 0.0053%; no homozygotes.

Submission:

Labcorp Genetics (formerly Invitae), Labcorp
Classification: Uncertain significance for Neuronal ceroid lipofuscinosis 11; GRN-related frontotemporal lobar degeneration with Tdp43 inclusions. Last evaluated: 2025-08-04. Review status: criteria provided, single submitter. Criteria: Invitae Variant Classification Sherloc (09022015). Collection method: clinical testing. Allele origin: germline.
Comment: This sequence change replaces glycine, which is neutral and non-polar, with arginine, which is basic and polar, at codon 109 of the GRN protein (p.Gly109Arg). This variant is present in population databases (rs766292113, gnomAD 0.01%). This missense change has been observed in individual(s) with GRN-related conditions (PMID: 34544842). ClinVar contains an entry for this variant (Variation ID: 1384133). An algorithm developed to predict the effect of missense changes on protein structure and function (PolyPhen-2) suggests that this variant is likely to be disruptive. In summary, the available evidence is currently insufficient to determine the role of this variant in disease. Therefore, it has been classified as a Variant of Uncertain Significance.

Literature cited by the submitters: PubMed 34544842.

NM_002087.4(GRN):c.325G>A (p.Gly109Arg)

Gene: GRN (granulin precursor; plus strand). Cytogenetic location: 17q21.31.
Variant type: single nucleotide variant.
Coding change: c.325G>A on transcript NM_002087.4 (MANE Select); coding-DNA position 325, G replaced by A.
Protein change: p.Gly109Arg; replaces glycine 109 with arginine.
Molecular consequence: missense variant.
Genome position (GRCh38, 1-based): chr17:44,349,727, G>A. VCF-style: chr17-44349727-G-A. GRCh37 (hg19) VCF-style: chr17-42427095-G-A.
Other names: short protein forms G109R.
Identifiers: ClinVar variation 1384133 (VCV001384133.6), dbSNP rs766292113, ClinGen allele CA8601837.